The following is an entry in ClinVar:

ClinVar aggregate classification (germline): Uncertain significance. Review status: criteria provided, multiple submitters, no conflicts (2 of 4 stars). 2 submissions from 2 submitters: Uncertain significance (2). Last evaluated 2024-11-12.

Conditions:
Inborn genetic diseases. Identifiers: MedGen C0950123, MeSH D030342.

Allele frequency attached by ClinVar (database versions not stated): ExAC 0.00002; gnomAD 0.00003; gnomAD exomes 0.00002.
gnomAD v4.1: 153 of 1,614,004 alleles (0.0095%); highest among the groups gnomAD compares: Non-Finnish European, 0.013%; no homozygotes.

Submissions (2):

Ambry Genetics
Classification: Uncertain significance for Inborn genetic diseases. Last evaluated: 2024-11-12. Review status: criteria provided, single submitter. Criteria: Ambry Variant Classification Scheme 2023. Collection method: clinical testing. Allele origin: germline.

Labcorp Genetics (formerly Invitae), Labcorp
Classification: Uncertain significance. Last evaluated: 2022-09-07. Review status: criteria provided, single submitter. Criteria: Invitae Variant Classification Sherloc (09022015). Collection method: clinical testing. Allele origin: germline.
Comment: This sequence change replaces isoleucine, which is neutral and non-polar, with threonine, which is neutral and polar, at codon 1291 of the RTTN protein (p.Ile1291Thr). This variant is present in population databases (rs768583953, gnomAD 0.004%). This variant has not been reported in the literature in individuals affected with RTTN-related conditions. ClinVar contains an entry for this variant (Variation ID: 1401881). Algorithms developed to predict the effect of missense changes on protein structure and function (SIFT, PolyPhen-2, Align-GVGD) all suggest that this variant is likely to be disruptive. In summary, the available evidence is currently insufficient to determine the role of this variant in disease. Therefore, it has been classified as a Variant of Uncertain Significance.

NM_173630.4(RTTN):c.3872T>C (p.Ile1291Thr)

Gene: RTTN (rotatin; minus strand). Cytogenetic location: 18q22.2.
Variant type: single nucleotide variant.
Coding change: c.3872T>C on transcript NM_173630.4 (MANE Select); coding-DNA position 3872, T replaced by C.
Protein change: p.Ile1291Thr; replaces isoleucine 1291 with threonine.
Molecular consequence: missense variant.
Genome position (GRCh38, 1-based): chr18:70,109,529, A>G on the plus strand (T>C on the coding strand, the complement: RTTN is on the minus strand). VCF-style: chr18-70109529-A-G. GRCh37 (hg19) VCF-style: chr18-67776765-A-G.
Other names: c.1136T>C, p.Ile379Thr (NM_001318520.2); c.3872T>C (NM_173630.3); short protein forms I1291T, I379T.
Identifiers: ClinVar variation 1401881 (VCV001401881.7), dbSNP rs768583953, ClinGen allele CA8995466.